The following is an entry in ClinVar:

NM_002314.4(LIMK1):c.1611C>T (p.Ile537=)

Gene: LIMK1 (LIM domain kinase 1; plus strand). Cytogenetic location: 7q11.23.
Variant type: single nucleotide variant.
Coding change: c.1611C>T on transcript NM_002314.4 (MANE Select); coding-DNA position 1611, C replaced by T.
Protein change: p.Ile537=; no amino-acid change (isoleucine 537 retained).
Molecular consequence: synonymous variant.
Genome position (GRCh38, 1-based): chr7:74,120,626, C>T. VCF-style: chr7-74120626-C-T. GRCh37 (hg19) VCF-style: chr7-73534956-C-T.
Other names: c.1509C>T, p.Ile503= (NM_001204426.2).
Identifiers: ClinVar variation 734999 (VCV000734999.30), dbSNP rs145319405, ClinGen allele CA4294023.

ClinVar aggregate classification (germline): Benign/Likely benign. Review status: criteria provided, multiple submitters, no conflicts (2 of 4 stars). 4 submissions from 4 submitters: Benign (2); Likely benign (1). 1 of the submissions does not count toward it. Last evaluated 2025-02-01.

Conditions:
LIMK1-related disorder. Also called: LIMK1-related condition.

Allele frequency attached by ClinVar (database versions not stated): 1000 Genomes Project 30x 0.00031; 1000 Genomes Project 0.00040; TOPMed 0.00083; ESP Exome Variant Server 0.00146; gnomAD 0.00149 and 0.00158; gnomAD exomes 0.00152 and 0.00184; ExAC 0.00204.
gnomAD v4.1: 2,414 of 1,614,192 alleles (0.15%); highest among the groups gnomAD compares: Non-Finnish European, 0.15%; 6 homozygotes.

Submissions (4):

CeGaT Center for Human Genetics Tuebingen
Classification: Likely benign. Last evaluated: 2025-02-01. Review status: criteria provided, single submitter. Criteria: CeGaT Center For Human Genetics Tuebingen Variant Classification Criteria Version 2. Collection method: clinical testing. Allele origin: germline. Affected: yes. Observed: 2 variant alleles.
Comment: LIMK1: BP4, BP7

Labcorp Genetics (formerly Invitae), Labcorp
Classification: Benign. Last evaluated: 2019-12-31. Review status: criteria provided, single submitter. Criteria: Invitae Variant Classification Sherloc (09022015). Collection method: clinical testing. Allele origin: germline.

Breakthrough Genomics
Classification: Benign. Review status: criteria provided, single submitter. Criteria: ACMG Guidelines, 2015. Collection method: not provided. Allele origin: germline. Inheritance: Unknown mechanism. Affected: yes.

PreventionGenetics, part of Exact Sciences
Classification: Benign for LIMK1-related condition. Last evaluated: 2019-09-24. Review status: no assertion criteria provided. Collection method: clinical testing. Allele origin: germline. Not counted in ClinVar's aggregate classification.
Comment: This variant is classified as benign based on ACMG/AMP sequence variant interpretation guidelines (Richards et al. 2015 PMID: 25741868, with internal and published modifications).